The following is an entry in ClinVar:

NM_000350.3(ABCA4):c.265G>T (p.Glu89Ter)

Gene: ABCA4 (ATP binding cassette subfamily A member 4; minus strand). Cytogenetic location: 1p22.1.
Variant type: single nucleotide variant.
Coding change: c.265G>T on transcript NM_000350.3 (MANE Select); coding-DNA position 265, G replaced by T.
Protein change: p.Glu89Ter; replaces glutamic acid 89 with a stop codon.
Molecular consequence: nonsense.
Genome position (GRCh38, 1-based): chr1:94,111,475, C>A on the plus strand (G>T on the coding strand, the complement: ABCA4 is on the minus strand). VCF-style: chr1-94111475-C-A. GRCh37 (hg19) VCF-style: chr1-94577031-C-A.
Other names: c.265G>T, p.Glu89Ter (NM_001425324.1); short protein forms E89*.
Identifiers: ClinVar variation 3237363 (VCV003237363.3), dbSNP rs1662601425.

ClinVar aggregate classification (germline): Pathogenic. Review status: criteria provided, multiple submitters, no conflicts (2 of 4 stars). 3 submissions from 3 submitters: Pathogenic (2). 1 of the submissions does not count toward it. Last evaluated 2025-10-19.

Conditions:
Retinitis pigmentosa 19 (RP19). Also called: ABCA4-Related Retinitis Pigmentosa. Identifiers: Orphanet 791, MedGen C1866422, MONDO:0011137, OMIM 601718.
Stargardt disease 3. Also called: MACULAR DYSTROPHY WITH FLECKS, TYPE 3; STARGARDT-LIKE MACULAR DYSTROPHY, AUTOSOMAL DOMINANT. Identifiers: Orphanet 827, MedGen C1838644, MONDO:0010819, OMIM 600110.

Submissions (3):

Labcorp Genetics (formerly Invitae), Labcorp
Classification: Pathogenic. Last evaluated: 2025-10-19. Review status: criteria provided, single submitter. Criteria: Invitae Variant Classification Sherloc (09022015). Collection method: clinical testing. Allele origin: germline.
Comment: This sequence change creates a premature translational stop signal (p.Glu89*) in the ABCA4 gene. It is expected to result in an absent or disrupted protein product. Loss-of-function variants in ABCA4 are known to be pathogenic (PMID: 10958761, 24938718, 25312043, 26780318). This variant is not present in population databases (gnomAD no frequency). This premature translational stop signal has been observed in individual(s) with Stargardt disease (PMID: 23419329). ClinVar contains an entry for this variant (Variation ID: 3237363). For these reasons, this variant has been classified as Pathogenic.

3billion
Classification: Pathogenic for Retinitis pigmentosa 19. Last evaluated: 2024-02-01. Review status: criteria provided, single submitter. Criteria: ACMG Guidelines, 2015. Collection method: clinical testing. Allele origin: germline. Affected: yes.
Comment: The variant is not observed in the gnomAD v2.1.1 dataset. Predicted Consequence/Location: Stop-gained (nonsense): predicted to result in a loss or disruption of normal protein function through nonsense-mediated decay (NMD) or protein truncation. Multiple pathogenic variants are reported downstream of the variant. The variant has been reported to be associated with ABCA4-related disorder (PMID: 23419329). Therefore, this variant is classified as Pathogenic according to the recommendation of ACMG/AMP guideline.

Ophthalmo-Genetics Lab, Instituto de Oftalmologia Conde de Valenciana
Classification: Likely pathogenic for Stargardt disease 3. Review status: no assertion criteria provided. Collection method: research. Allele origin: germline. Inheritance: Autosomal recessive inheritance. Not counted in ClinVar's aggregate classification.

Literature cited by the submitters: PubMed 10958761 (cited by Labcorp Genetics (formerly Invitae), Labcorp); PubMed 24938718 (cited by Labcorp Genetics (formerly Invitae), Labcorp); PubMed 25312043 (cited by Labcorp Genetics (formerly Invitae), Labcorp); PubMed 26780318 (cited by Labcorp Genetics (formerly Invitae), Labcorp); PubMed 23419329 (cited by Labcorp Genetics (formerly Invitae), Labcorp and 3billion); PubMed 30093795 (cited by Ophthalmo-Genetics Lab, Instituto de Oftalmologia Conde de Valenciana).